The following is an entry in ClinVar:

NM_020693.4(DSCAML1):c.5500T>C (p.Cys1834Arg)

Gene: DSCAML1 (DS cell adhesion molecule like 1; minus strand). Cytogenetic location: 11q23.3.
Variant type: single nucleotide variant.
Coding change: c.5500T>C on transcript NM_020693.4 (MANE Select); coding-DNA position 5500, T replaced by C.
Protein change: p.Cys1834Arg; replaces cysteine 1834 with arginine.
Molecular consequence: missense variant.
Genome position (GRCh38, 1-based): chr11:117,430,908, A>G on the plus strand (T>C on the coding strand, the complement: DSCAML1 is on the minus strand). VCF-style: chr11-117430908-A-G. GRCh37 (hg19) VCF-style: chr11-117301624-A-G.
Other names: short protein forms C1834R.
Identifiers: ClinVar variation 2047101 (VCV002047101.4), dbSNP rs2542964448, ClinGen allele CA382752948.

ClinVar aggregate classification (germline): Uncertain significance (1 of 4 stars; one submission).

Submission:

Labcorp Genetics (formerly Invitae), Labcorp
Classification: Uncertain significance. Last evaluated: 2021-12-18. Review status: criteria provided, single submitter. Criteria: Invitae Variant Classification Sherloc (09022015). Collection method: clinical testing. Allele origin: germline.
Comment: Algorithms developed to predict the effect of missense changes on protein structure and function (SIFT, PolyPhen-2, Align-GVGD) all suggest that this variant is likely to be disruptive. In summary, the available evidence is currently insufficient to determine the role of this variant in disease. Therefore, it has been classified as a Variant of Uncertain Significance. This variant has not been reported in the literature in individuals affected with DSCAML1-related conditions. This variant is not present in population databases (gnomAD no frequency). This sequence change replaces cysteine, which is neutral and slightly polar, with arginine, which is basic and polar, at codon 1894 of the DSCAML1 protein (p.Cys1894Arg).